The following is an entry in ClinVar:

NM_000238.4(KCNH2):c.3301C>T (p.Pro1101Ser)

Gene: KCNH2 (potassium voltage-gated channel subfamily H member 2; minus strand). Cytogenetic location: 7q36.1.
Variant type: single nucleotide variant.
Coding change: c.3301C>T on transcript NM_000238.4 (MANE Select); coding-DNA position 3301, C replaced by T.
Protein change: p.Pro1101Ser; replaces proline 1101 with serine.
Molecular consequence: missense variant.
Genome position (GRCh38, 1-based): chr7:150,946,906, G>A on the plus strand (C>T on the coding strand, the complement: KCNH2 is on the minus strand). VCF-style: chr7-150946906-G-A. GRCh37 (hg19) VCF-style: chr7-150643994-G-A.
Other names: c.3301C>T (NM_000238.2); c.2281C>T, p.Pro761Ser (NM_172057.3); short protein forms P761S, P1101S.
Identifiers: ClinVar variation 456928 (VCV000456928.17), dbSNP rs1347039291, ClinGen allele CA369851963.

ClinVar aggregate classification (germline): Uncertain significance. Review status: criteria provided, multiple submitters, no conflicts (2 of 4 stars). 4 submissions from 4 submitters: Uncertain significance (4). Last evaluated 2025-04-04.

Conditions:
Cardiac arrhythmia. Also called: Cardiac rhythm disease; Arrhythmia. Identifiers: MedGen C0003811, MONDO:0007263, HP:0011675.
Long QT syndrome (LQTS). Identifiers: MedGen C0023976, MeSH D008133, MONDO:0002442. Disease mechanism: loss of function. Inheritance: Various modes of inheritance.

gnomAD v4.1: 2 of 1,599,144 alleles (0.00013%); highest among the groups gnomAD compares: Non-Finnish European, 0.00017%; no homozygotes.

Submissions (4):

GeneDx
Classification: Uncertain significance. Last evaluated: 2025-04-04. Review status: criteria provided, single submitter. Criteria: GeneDx Variant Classification Process June 2021. Collection method: clinical testing. Allele origin: germline. Affected: yes.
Comment: Not observed at significant frequency in large population cohorts (gnomAD); In silico analysis indicates that this missense variant does not alter protein structure/function; Has not been previously published as pathogenic or benign to our knowledge

Labcorp Genetics (formerly Invitae), Labcorp
Classification: Uncertain significance for Long QT syndrome. Last evaluated: 2024-10-16. Review status: criteria provided, single submitter. Criteria: Invitae Variant Classification Sherloc (09022015). Collection method: clinical testing. Allele origin: germline.
Comment: This sequence change replaces proline, which is neutral and non-polar, with serine, which is neutral and polar, at codon 1101 of the KCNH2 protein (p.Pro1101Ser). This variant is not present in population databases (gnomAD no frequency). This variant has not been reported in the literature in individuals affected with KCNH2-related conditions. ClinVar contains an entry for this variant (Variation ID: 456928). An algorithm developed to predict the effect of missense changes on protein structure and function (PolyPhen-2) suggests that this variant is likely to be disruptive. In summary, the available evidence is currently insufficient to determine the role of this variant in disease. Therefore, it has been classified as a Variant of Uncertain Significance.

Color Diagnostics, LLC DBA Color Health
Classification: Uncertain significance for Cardiac arrhythmia. Last evaluated: 2023-12-04. Review status: criteria provided, single submitter. Criteria: ACMG Guidelines, 2015. Collection method: clinical testing. Allele origin: germline.
Comment: Variant of Uncertain Significance due to insufficient evidence: This missense variant is located in the cytoplasmic domain of the KCNH2 protein. Computational prediction tools and conservation analyses are inconclusive regarding the impact of this variant on the protein function. Computational splicing tools suggest that this variant may not impact the RNA splicing. To our knowledge, functional assays have not been performed for this variant nor has this variant been reported in individuals affected with cardiovascular disorders in the literature. This variant is rare in the general population and has been identified in 0/277264 chromosomes by the Genome Aggregation Database (gnomAD). Available evidence is insufficient to determine the pathogenicity of this variant conclusively.

Blueprint Genetics
Classification: Uncertain significance. Last evaluated: 2017-10-11. Review status: criteria provided, single submitter. Criteria: ACMG Guidelines, 2015. Collection method: clinical testing. Allele origin: germline.